The following is an entry in ClinVar:

ClinVar aggregate classification (germline): Uncertain significance (1 of 4 stars; one submission).

Conditions:
DYRK1A-related intellectual disability syndrome (MRD7). Also called: Intellectual developmental disorder, autosomal dominant 7; DYRK1A Syndrome. Identifiers: Orphanet 464306, MedGen C5568143, MONDO:0013578, OMIM 614104.

Submission:

Labcorp Genetics (formerly Invitae), Labcorp
Classification: Uncertain significance for DYRK1A-related intellectual disability syndrome. Last evaluated: 2024-03-18. Review status: criteria provided, single submitter. Criteria: Invitae Variant Classification Sherloc (09022015). Collection method: clinical testing. Allele origin: germline.
Comment: This sequence change replaces aspartic acid, which is acidic and polar, with glycine, which is neutral and non-polar, at codon 138 of the DYRK1A protein (p.Asp138Gly). This variant is not present in population databases (gnomAD no frequency). This variant has not been reported in the literature in individuals affected with DYRK1A-related conditions. Advanced modeling of protein sequence and biophysical properties (such as structural, functional, and spatial information, amino acid conservation, physicochemical variation, residue mobility, and thermodynamic stability) has been performed at Invitae for this missense variant, however the output from this modeling did not meet the statistical confidence thresholds required to predict the impact of this variant on DYRK1A protein function. In summary, the available evidence is currently insufficient to determine the role of this variant in disease. Therefore, it has been classified as a Variant of Uncertain Significance.

NM_001347721.2(DYRK1A):c.386A>G (p.Asp129Gly)

Gene: DYRK1A (dual specificity tyrosine phosphorylation regulated kinase 1A; plus strand). Cytogenetic location: 21q22.13.
Variant type: single nucleotide variant.
Coding change: c.386A>G on transcript NM_001347721.2 (MANE Select); coding-DNA position 386, A replaced by G.
Protein change: p.Asp129Gly; replaces aspartic acid 129 with glycine.
Molecular consequence: missense variant.
Genome position (GRCh38, 1-based): chr21:37,480,723, A>G. VCF-style: chr21-37480723-A-G. GRCh37 (hg19) VCF-style: chr21-38853025-A-G.
Other names: c.386A>G, p.Asp129Gly (NM_001347722.2, NM_130436.2); c.299A>G, p.Asp100Gly (NM_001347723.2); c.413A>G, p.Asp138Gly (NM_001396.5, NM_101395.2, NM_130438.2); short protein forms D100G, D129G, D138G.
Identifiers: ClinVar variation 3637822 (VCV003637822.2).
Genomic context (GRCh38, chr21:37,480,723, plus strand): 5'-GACACCAACAGGGCCAGGGAGACGATTCTAGTCATAAGAAGGAACGGAAGGTTTACAATG[A>G]TGGTTATGATGATGATAACTATGATTATATTGTAAAAAACGGAGAAAAGTGGATGGATCG-3'
Protein context (NP_001334650.1, residues 119-139): SHKKERKVYN[Asp129Gly]GYDDDNYDYI